The following is an entry in ClinVar:

ClinVar aggregate classification (germline): Uncertain significance. Review status: criteria provided, multiple submitters, no conflicts (2 of 4 stars). 3 submissions from 3 submitters: Uncertain significance (2). 1 of the submissions does not count toward it. Last evaluated 2024-11-20.

Conditions:
Inborn genetic diseases. Identifiers: MedGen C0950123, MeSH D030342.
Kostmann syndrome (SCN3). Also called: Autosomal recessive severe congenital neutropenia type 3; KOSTMANN DISEASE. Identifiers: Orphanet 99749, MedGen C5235141, MONDO:0012548, OMIM 610738.

Allele frequency attached by ClinVar (database versions not stated): gnomAD exomes below 0.00001 and 0.00001; gnomAD 0.00001; TOPMed 0.00001; ESP Exome Variant Server 0.00008.
gnomAD v4.1: 11 of 1,614,018 alleles (0.00068%); highest among the groups gnomAD compares: Middle Eastern, 0.033%; no homozygotes.

Submissions (3):

Ambry Genetics
Classification: Uncertain significance for Inborn genetic diseases. Last evaluated: 2024-11-20. Review status: criteria provided, single submitter. Criteria: Ambry Variant Classification Scheme 2023. Collection method: clinical testing. Allele origin: germline.
Comment: The p.F271L variant (also known as c.811T>C), located in coding exon 7 of the HAX1 gene, results from a T to C substitution at nucleotide position 811. The phenylalanine at codon 271 is replaced by leucine, an amino acid with highly similar properties. This amino acid position is conserved. In addition, this alteration is predicted to be tolerated by in silico analysis. Based on the available evidence, the clinical significance of this variant remains unclear.

Labcorp Genetics (formerly Invitae), Labcorp
Classification: Uncertain significance for Kostmann syndrome. Last evaluated: 2024-02-24. Review status: criteria provided, single submitter. Criteria: Invitae Variant Classification Sherloc (09022015). Collection method: clinical testing. Allele origin: germline.
Comment: This sequence change replaces phenylalanine, which is neutral and non-polar, with leucine, which is neutral and non-polar, at codon 271 of the HAX1 protein (p.Phe271Leu). This variant is present in population databases (rs375704974, gnomAD 0.002%). This variant has not been reported in the literature in individuals affected with HAX1-related conditions. ClinVar contains an entry for this variant (Variation ID: 841281). Advanced modeling of protein sequence and biophysical properties (such as structural, functional, and spatial information, amino acid conservation, physicochemical variation, residue mobility, and thermodynamic stability) performed at Invitae indicates that this missense variant is not expected to disrupt HAX1 protein function with a negative predictive value of 80%. In summary, the available evidence is currently insufficient to determine the role of this variant in disease. Therefore, it has been classified as a Variant of Uncertain Significance.

Natera, Inc.
Classification: Uncertain significance for Autosomal recessive severe congenital neutropenia type 3. Last evaluated: 2021-06-07. Review status: no assertion criteria provided. Collection method: clinical testing. Allele origin: germline. Not counted in ClinVar's aggregate classification.

NM_006118.4(HAX1):c.811T>C (p.Phe271Leu)

Gene: HAX1 (HCLS1 associated protein X-1; plus strand). Cytogenetic location: 1q21.3.
Variant type: single nucleotide variant.
Coding change: c.811T>C on transcript NM_006118.4 (MANE Select); coding-DNA position 811, T replaced by C.
Protein change: p.Phe271Leu; replaces phenylalanine 271 with leucine.
Molecular consequence: missense variant.
Genome position (GRCh38, 1-based): chr1:154,275,672, T>C. VCF-style: chr1-154275672-T-C. GRCh37 (hg19) VCF-style: chr1-154248148-T-C.
Other names: c.667T>C, p.Phe223Leu (NM_001018837.2); short protein forms F223L, F271L.
Identifiers: ClinVar variation 841281 (VCV000841281.8), dbSNP rs375704974, ClinGen allele CA30771427.
Genomic context (GRCh38, chr1:154,275,672, plus strand): 5'-TTAGATCCAGAATCACCAAGACCTCCAGCCCTGGATGATGCCTTTTCCATCCTGGACTTA[T>C]TCCTGGGACGTTGGTTCCGGTCCCGGTAGCCTTGTTAACCCTCAGAGGCCTTCAAGTCCT-3'
Protein context (NP_006109.2, residues 261-279): LDDAFSILDL[Phe271Leu]LGRWFRSR